The following is an entry in ClinVar:

NM_175914.5(HNF4A):c.625G>A (p.Gly209Arg)

Gene: HNF4A (hepatocyte nuclear factor 4 alpha; plus strand). Cytogenetic location: 20q13.12.
Variant type: single nucleotide variant.
Coding change: c.625G>A on transcript NM_175914.5 (MANE Select); coding-DNA position 625, G replaced by A.
Protein change: p.Gly209Arg; replaces glycine 209 with arginine.
Molecular consequence: missense variant.
Genome position (GRCh38, 1-based): chr20:44,418,467, G>A. VCF-style: chr20-44418467-G-A. GRCh37 (hg19) VCF-style: chr20-43047107-G-A.
Other names: c.691G>A, p.Gly231Arg (NM_000457.6, NM_178849.3, NM_178850.3); c.625G>A, p.Gly209Arg (NM_001030003.3, NM_001030004.3); c.670G>A, p.Gly224Arg (NM_001258355.2); c.616G>A, p.Gly206Arg (NM_001287182.2, NM_001287183.2, NM_001287184.2); short protein forms G206R, G209R, G224R, G231R.
Identifiers: ClinVar variation 1313336 (VCV001313336.10), dbSNP rs1469544671, ClinGen allele CA409106889.

ClinVar aggregate classification (germline): Conflicting classifications of pathogenicity. Review status: criteria provided, conflicting classifications (1 of 4 stars). 2 submissions from 2 submitters: Likely pathogenic (1); Uncertain significance (1). Last evaluated 2022-08-02.

Conditions:
Maturity-onset diabetes of the young type 1. Also called: MODY, type I; MILD JUVENILE DIABETES MELLITUS; MODY type 1; Diabetes mellitus MODY type 1; MODY HNF4A related; HNF4A-Related Maturity-Onset Diabetes of the Young Type 1. Identifiers: Orphanet 552, MedGen C1852093, MONDO:0007452, OMIM 125850. Disease mechanism: loss of function.

Allele frequency attached by ClinVar (database versions not stated): gnomAD exomes below 0.00001; gnomAD 0.00001; TOPMed 0.00002.
gnomAD v4.1: 6 of 1,613,634 alleles (0.00037%); highest among the groups gnomAD compares: Middle Eastern, 0.016%; no homozygotes.

Submissions (2):

Geisinger Clinic, Geisinger Health System
Classification: Likely pathogenic for Maturity-onset diabetes of the young type 1. Last evaluated: 2022-08-02. Review status: criteria provided, single submitter. Criteria: ACMG Guidelines, 2015. Collection method: research. Allele origin: germline. Inheritance: Autosomal dominant inheritance. Affected: yes. Observed: 2 variant alleles.
Comment: PP3, PM2, PP4_Moderate, PP1

GeneDx
Classification: Uncertain significance. Last evaluated: 2020-02-03. Review status: criteria provided, single submitter. Criteria: GeneDx Variant Classification Process June 2021. Collection method: clinical testing. Allele origin: germline. Affected: yes.
Comment: Has not been previously published as pathogenic or benign to our knowledge; In silico analysis supports that this missense variant has a deleterious effect on protein structure/function

Literature cited by the submitters: PubMed 36257325 (cited by Geisinger Clinic, Geisinger Health System).